The following is an entry in ClinVar:

ClinVar aggregate classification (germline): Uncertain significance (1 of 4 stars; one submission).

Conditions:
Hereditary cancer-predisposing syndrome. Also called: Hereditary neoplastic syndrome; Neoplastic Syndromes, Hereditary; Tumor predisposition; Hereditary Cancer Syndrome. Identifiers: Orphanet 140162, MedGen C0027672, MeSH D009386, MONDO:0015356.

Submission:

Ambry Genetics
Classification: Uncertain significance for Hereditary cancer-predisposing syndrome. Last evaluated: 2025-08-24. Review status: criteria provided, single submitter. Criteria: Ambry Variant Classification Scheme 2023. Collection method: clinical testing. Allele origin: germline.
Comment: The p.L684V variant (also known as c.2050C>G), located in coding exon 12 of the PMS2 gene, results from a C to G substitution at nucleotide position 2050. The leucine at codon 684 is replaced by valine, an amino acid with highly similar properties. This amino acid position is conserved. In addition, the in silico prediction for this alteration is inconclusive. Based on the available evidence, the clinical significance of this variant remains unclear.

NM_000535.7(PMS2):c.2050C>G (p.Leu684Val)

Gene: PMS2 (PMS1 homolog 2, mismatch repair system component; minus strand). Cytogenetic location: 7p22.1.
Variant type: single nucleotide variant.
Coding change: c.2050C>G on transcript NM_000535.7 (MANE Select); coding-DNA position 2050, C replaced by G.
Protein change: p.Leu684Val; replaces leucine 684 with valine.
Molecular consequence: missense variant. On other transcripts: non-coding transcript variant (1), intron variant (4).
Genome position (GRCh38, 1-based): chr7:5,982,948, G>C on the plus strand (C>G on the coding strand, the complement: PMS2 is on the minus strand). VCF-style: chr7-5982948-G-C. GRCh37 (hg19) VCF-style: chr7-6022579-G-C.
Other names: c.1741C>G, p.Leu581Val (NM_001322015.2, NM_001406875.1, NM_001406877.1 and 5 more transcripts); c.2236C>G, p.Leu746Val (NM_001406866.1); c.2074C>G, p.Leu692Val (NM_001406868.1); c.1942C>G, p.Leu648Val (NM_001406869.1); c.1894C>G, p.Leu632Val (NM_001406870.1, NM_001322006.2); c.2050C>G, p.Leu684Val (NM_001406871.1, NM_001322014.2); c.1852C>G, p.Leu618Val (NM_001406873.1); c.1882C>G, p.Leu628Val (NM_001406874.1); and 16 more; short protein forms L283V, L427V, L493V, L513V, L529V, L572V, L692V, L526V.
Identifiers: ClinVar variation 4140513 (VCV004140513.1).